The following is an entry in ClinVar:

NM_022089.4(ATP13A2):c.811A>G (p.Ile271Val)

Gene: ATP13A2 (ATPase cation transporting 13A2; minus strand). Cytogenetic location: 1p36.13.
Variant type: single nucleotide variant.
Coding change: c.811A>G on transcript NM_022089.4 (MANE Select); coding-DNA position 811, A replaced by G.
Protein change: p.Ile271Val; replaces isoleucine 271 with valine.
Molecular consequence: missense variant.
Genome position (GRCh38, 1-based): chr1:17,000,429, T>C on the plus strand (A>G on the coding strand, the complement: ATP13A2 is on the minus strand). VCF-style: chr1-17000429-T-C. GRCh37 (hg19) VCF-style: chr1-17326924-T-C.
Other names: c.796A>G, p.Ile266Val (NM_001141973.3, NM_001141974.3); short protein forms I271V, I266V.
Identifiers: ClinVar variation 577023 (VCV000577023.6), dbSNP rs561097876, ClinGen allele CA637488.

ClinVar aggregate classification (germline): Uncertain significance (1 of 4 stars; one submission).

Conditions:
Kufor-Rakeb syndrome (KRS). Also called: PARKINSON DISEASE 9, AUTOSOMAL RECESSIVE, JUVENILE-ONSET. Identifiers: Orphanet 306674, Orphanet 314632, MedGen C1847640, MONDO:0011706, OMIM 606693.
Autosomal recessive spastic paraplegia type 78. Identifiers: Orphanet 513436, MedGen C5567893, MONDO:0014975, OMIM 617225.

Allele frequency attached by ClinVar (database versions not stated): gnomAD 0.00002; 1000 Genomes Project 30x 0.00047; 1000 Genomes Project 0.00060.

Submission:

Labcorp Genetics (formerly Invitae), Labcorp
Classification: Uncertain significance for Kufor-Rakeb syndrome; Autosomal recessive spastic paraplegia type 78. Last evaluated: 2023-07-30. Review status: criteria provided, single submitter. Criteria: Invitae Variant Classification Sherloc (09022015). Collection method: clinical testing. Allele origin: germline.
Comment: This sequence change replaces isoleucine, which is neutral and non-polar, with valine, which is neutral and non-polar, at codon 271 of the ATP13A2 protein (p.Ile271Val). This variant is present in population databases (rs561097876, gnomAD 0.01%). This variant has not been reported in the literature in individuals affected with ATP13A2-related conditions. ClinVar contains an entry for this variant (Variation ID: 577023). Advanced modeling of protein sequence and biophysical properties (such as structural, functional, and spatial information, amino acid conservation, physicochemical variation, residue mobility, and thermodynamic stability) performed at Invitae indicates that this missense variant is not expected to disrupt ATP13A2 protein function. In summary, the available evidence is currently insufficient to determine the role of this variant in disease. Therefore, it has been classified as a Variant of Uncertain Significance.